The following is an entry in ClinVar:

ClinVar aggregate classification (germline): Pathogenic. Review status: criteria provided, multiple submitters, no conflicts (2 of 4 stars). 3 submissions from 3 submitters: Pathogenic (2). 1 of the submissions does not count toward it. Last evaluated 2024-12-26.

Conditions:
Developmental and epileptic encephalopathy. Identifiers: MedGen C5779964, MONDO:0100620.
Developmental and epileptic encephalopathy, 31B. Also called: Developmental and epileptic encephalopathy 31B, autosomal recessive. Identifiers: MedGen C5830459, MONDO:0957248, OMIM 620352.

Submissions (3):

Center for Genomics, Ann and Robert H. Lurie Children's Hospital of Chicago
Classification: Pathogenic for Developmental and epileptic encephalopathy. Last evaluated: 2024-12-26. Review status: criteria provided, single submitter. Criteria: ACMG Guidelines, 2015. Collection method: clinical testing. Allele origin: inherited. Inheritance: Autosomal recessive inheritance.
Comment: This variant has been identified in the homozygous state in an individual with features consistent with developmental and epileptic encephalopathy (Yigit 2022 PMID: 34172529; Hayman 2024 PMID: 37798099). It is not present in gnomAD and has been submitted to ClinVar (Variation ID: 2500127). This variant is predicted to introduce a premature stop codon at this position, resulting in protein truncation or loss of allelic expression through nonsense-mediated decay; biallelic loss of function has been reported as a mechanism of disease for this gene (AlTassan 2022 PMID: 36553519; Yigit 2022 PMID: 34172529). In summary, this variant is classified as pathogenic.

GeneDx
Classification: Pathogenic. Last evaluated: 2023-08-29. Review status: criteria provided, single submitter. Criteria: GeneDx Variant Classification Process June 2021. Collection method: clinical testing. Allele origin: germline. Affected: yes.
Comment: Nonsense variant predicted to result in protein truncation or nonsense mediated decay in a gene for which loss of function is a known mechanism of disease; Not observed at significant frequency in large population cohorts (gnomAD); This variant is associated with the following publications: (PMID: 34172529)

OMIM
Classification: Pathogenic for DEVELOPMENTAL AND EPILEPTIC ENCEPHALOPATHY 31B. Last evaluated: 2023-04-27. Review status: no assertion criteria provided. Collection method: literature only. Allele origin: germline. Not counted in ClinVar's aggregate classification.

Literature cited by the submitters: PubMed 34172529 (cited by Center for Genomics, Ann and Robert H. Lurie Children's Hospital of Chicago and OMIM); PubMed 37798099 (cited by Center for Genomics, Ann and Robert H. Lurie Children's Hospital of Chicago); PubMed 36553519 (cited by Center for Genomics, Ann and Robert H. Lurie Children's Hospital of Chicago).

NM_004408.4(DNM1):c.850C>T (p.Gln284Ter)

Gene: DNM1 (dynamin 1; plus strand). Cytogenetic location: 9q34.11.
Variant type: single nucleotide variant.
Coding change: c.850C>T on transcript NM_004408.4 (MANE Select); coding-DNA position 850, C replaced by T.
Protein change: p.Gln284Ter; replaces glutamine 284 with a stop codon.
Molecular consequence: nonsense.
Genome position (GRCh38, 1-based): chr9:128,222,197, C>T. VCF-style: chr9-128222197-C-T. GRCh37 (hg19) VCF-style: chr9-130984476-C-T.
Other names: c.850C>T, p.Gln284Ter (NM_001005336.3, NM_001288737.2, NM_001288738.2 and 2 more transcripts); short protein forms Q284*.
Identifiers: ClinVar variation 2500127 (VCV002500127.3), dbSNP rs1588368432, ClinGen allele CA375014657.